The following is an entry in ClinVar:

NM_033100.4(CDHR1):c.2546AGA[2] (p.Lys851del)

Gene: CDHR1 (cadherin related family member 1; plus strand). Cytogenetic location: 10q23.1.
Variant type: Microsatellite.
Coding change: c.2546AGA[2] on transcript NM_033100.4 (MANE Select); two copies in a row of the 3-base unit AGA starting at c.2546; the reference has three copies in a row; one copy, 3 bases deleted; also written c.2552_2554del.
Protein change: p.Lys851del; deletes lysine 851.
Molecular consequence: inframe deletion. On other transcripts: intron variant (1).
Genome position (GRCh38, 1-based): chr10:84,214,593-84,214,595, AGA deleted; deleting any 3 consecutive bases within chr10:84,214,587-84,214,595 gives the same sequence; the position shown is the placement nearest the transcript's 3' end. VCF-style (leftmost placement, unchanged base first): chr10-84214586-GAGA-G. GRCh37 (hg19) VCF-style: chr10-85974342-GAGA-G.
Other names: c.2552_2554del (NM_033100.4, NM_033100.3); c.2040+1239AGA[2] (NM_001171971.3); short protein forms K851del.
Identifiers: ClinVar variation 772946 (VCV000772946.14), dbSNP rs150926842, ClinGen allele CA5580260.

ClinVar aggregate classification (germline): Likely benign. Review status: criteria provided, multiple submitters, no conflicts (2 of 4 stars). 4 submissions from 4 submitters: Likely benign (3). 1 of the submissions does not count toward it. Last evaluated 2025-12-22.

Conditions:
Cone-rod dystrophy 15 (CORD15). Identifiers: MedGen C3150912, MONDO:0013348, OMIM 613660.
CDHR1-related disorder. Also called: CDHR1-related condition.

Submissions (4):

Labcorp Genetics (formerly Invitae), Labcorp
Classification: Likely benign. Last evaluated: 2025-12-22. Review status: criteria provided, single submitter. Criteria: Invitae Variant Classification Sherloc (09022015). Collection method: clinical testing. Allele origin: germline.

Blueprint Genetics
Classification: Likely benign. Last evaluated: 2024-10-14. Review status: criteria provided, single submitter. Criteria: ACMG Guidelines, 2015. Collection method: clinical testing. Allele origin: germline.

Fulgent Genetics
Classification: Likely benign for Cone-rod dystrophy 15. Last evaluated: 2021-11-10. Review status: criteria provided, single submitter. Criteria: ACMG Guidelines, 2015. Collection method: clinical testing. Allele origin: unknown.

PreventionGenetics, part of Exact Sciences
Classification: Benign for CDHR1-related condition. Last evaluated: 2020-01-20. Review status: no assertion criteria provided. Collection method: clinical testing. Allele origin: germline. Not counted in ClinVar's aggregate classification.
Comment: This variant is classified as benign based on ACMG/AMP sequence variant interpretation guidelines (Richards et al. 2015 PMID: 25741868, with internal and published modifications).